The following is an entry in ClinVar:

NM_000090.4(COL3A1):c.1424C>T (p.Ala475Val)

Gene: COL3A1 (collagen type III alpha 1 chain; plus strand). Cytogenetic location: 2q32.2.
Variant type: single nucleotide variant.
Coding change: c.1424C>T on transcript NM_000090.4 (MANE Select); coding-DNA position 1424, C replaced by T.
Protein change: p.Ala475Val; replaces alanine 475 with valine.
Molecular consequence: missense variant.
Genome position (GRCh38, 1-based): chr2:188,994,800, C>T. VCF-style: chr2-188994800-C-T. GRCh37 (hg19) VCF-style: chr2-189859526-C-T.
Other names: p.A475V:GCA>GTA; short protein forms A475V.
Identifiers: ClinVar variation 199695 (VCV000199695.20), dbSNP rs770168441, ClinGen allele CA004287.

ClinVar aggregate classification (germline): Conflicting classifications of pathogenicity. Review status: criteria provided, conflicting classifications (1 of 4 stars). 8 submissions from 8 submitters: Uncertain significance (7); Likely benign (1). Last evaluated 2026-01-19.

Conditions:
Polymicrogyria with or without vascular-type Ehlers-Danlos syndrome. Identifiers: Orphanet 636941, MedGen C5193040, MONDO:0032688, OMIM 618343.
Ehlers-Danlos syndrome, type 4 (EDSVASC). Also called: Ehlers-Danlos syndrome vascular type; Ehlers Danlos syndrome, ecchymotic type; Ehlers Danlos syndrome, arterial type; Ehlers Danlos syndrome, Sack-Barabas type; Ehlers-Danlos Syndrome Type IV. Identifiers: Orphanet 286, MedGen C0268338, MONDO:0017314, OMIM 130050.
Cardiovascular phenotype. Identifiers: MedGen CN230736.
Familial thoracic aortic aneurysm and aortic dissection (TAAD). Also called: Thoracic aortic aneurysms and dissections. Identifiers: Orphanet 91387, MedGen C4707243, MONDO:0019625.

Allele frequency attached by ClinVar (database versions not stated): gnomAD exomes below 0.00001 and 0.00001; ExAC 0.00001; gnomAD 0.00004; TOPMed 0.00014.
gnomAD v4.1: 15 of 1,613,236 alleles (0.00093%); highest among the groups gnomAD compares: Admixed American, 0.013%; no homozygotes.

Submissions (8):

Labcorp Genetics (formerly Invitae), Labcorp
Classification: Uncertain significance for Ehlers-Danlos syndrome, type 4. Last evaluated: 2026-01-19. Review status: criteria provided, single submitter. Criteria: Invitae Variant Classification Sherloc (09022015). Collection method: clinical testing. Allele origin: germline.
Comment: This sequence change replaces alanine, which is neutral and non-polar, with valine, which is neutral and non-polar, at codon 475 of the COL3A1 protein (p.Ala475Val). This variant is not present in population databases (gnomAD no frequency). This variant has not been reported in the literature in individuals affected with COL3A1-related conditions. ClinVar contains an entry for this variant (Variation ID: 199695). Invitae Evidence Modeling of protein sequence and biophysical properties (such as structural, functional, and spatial information, amino acid conservation, physicochemical variation, residue mobility, and thermodynamic stability) indicates that this missense variant is not expected to disrupt COL3A1 protein function with a negative predictive value of 95%. In summary, the available evidence is currently insufficient to determine the role of this variant in disease. Therefore, it has been classified as a Variant of Uncertain Significance.

All of Us Research Program, National Institutes of Health
Classification: Uncertain significance for Ehlers-Danlos syndrome, type 4. Last evaluated: 2024-09-23. Review status: criteria provided, single submitter. Criteria: ACMG Guidelines, 2015. Collection method: clinical testing. Allele origin: germline. Inheritance: Autosomal dominant inheritance. Observed: 11 variant alleles, 11 heterozygotes.
Comment: This missense variant replaces alanine with valine at codon 475 of the COL3A1 protein. Computational prediction suggests that this variant may not impact protein structure and function (internally defined REVEL score threshold <= 0.5, PMID: 27666373). To our knowledge, functional studies have not been reported for this variant. This variant has not been reported in individuals affected with COL3A1-related disorders in the literature. This variant has been identified in 1/251254 chromosomes in the general population by the Genome Aggregation Database (gnomAD). The available evidence is insufficient to determine the role of this variant in disease conclusively. Therefore, this variant is classified as a Variant of Uncertain Significance.

This study involves interpretation of variants in research participants for the purpose of population health screening. Participant phenotype was not available at the time of variant classification. Additional details can be found in publication PMID: 35346344, PMCID: PMC8962531

Color Diagnostics, LLC DBA Color Health
Classification: Uncertain significance for Familial thoracic aortic aneurysm and aortic dissection. Last evaluated: 2024-03-06. Review status: criteria provided, single submitter. Criteria: ACMG Guidelines, 2015. Collection method: clinical testing. Allele origin: germline.
Comment: This missense variant replaces alanine with valine at codon 475 of the COL3A1 protein. Computational prediction suggests that this variant may not impact protein structure and function (internally defined REVEL score threshold <= 0.5, PMID: 27666373). To our knowledge, functional studies have not been reported for this variant. This variant has not been reported in individuals affected with COL3A1-related disorders in the literature. This variant has been identified in 1/251254 chromosomes in the general population by the Genome Aggregation Database (gnomAD). The available evidence is insufficient to determine the role of this variant in disease conclusively. Therefore, this variant is classified as a Variant of Uncertain Significance.

Fulgent Genetics
Classification: Uncertain significance for Ehlers-Danlos syndrome, type 4; Polymicrogyria with or without vascular-type Ehlers-Danlos syndrome. Last evaluated: 2021-10-29. Review status: criteria provided, single submitter. Criteria: ACMG Guidelines, 2015. Collection method: clinical testing. Allele origin: unknown.

GeneDx
Classification: Uncertain significance. Last evaluated: 2021-08-19. Review status: criteria provided, single submitter. Criteria: GeneDx Variant Classification Process June 2021. Collection method: clinical testing. Allele origin: germline. Affected: yes.
Comment: Has not been previously published as pathogenic or benign to our knowledge; Not observed at significant frequency in large population cohorts (Lek et al., 2016); In silico analysis supports that this missense variant does not alter protein structure/function; Occurs in the triple helical domain at the X position in the canonical Gly-X-Y repeat; although this variant may have an effect on normal protein folding and function, missense substitution at the X position is not a common mechanism of disease (Stenson et al., 2014); Reported in ClinVar but additional evidence is not available (ClinVar Variant ID#199695; Landrum et al., 2016); This variant is associated with the following publications: (PMID: 26582918)

Blueprint Genetics
Classification: Likely benign. Last evaluated: 2021-03-31. Review status: criteria provided, single submitter. Criteria: ACMG Guidelines, 2015. Collection method: clinical testing. Allele origin: germline.

CHEO Genetics Diagnostic Laboratory, Children's Hospital of Eastern Ontario
Classification: Uncertain significance for Familial thoracic aortic aneurysm and aortic dissection. Last evaluated: 2018-10-30. Review status: criteria provided, single submitter. Criteria: ACMG Guidelines, 2015. Collection method: clinical testing. Allele origin: germline.

Ambry Genetics
Classification: Uncertain significance for Cardiovascular phenotype. Last evaluated: 2016-05-19. Review status: criteria provided, single submitter. Criteria: Ambry Autosomal Dominant and X-Linked criteria (10/2015). Collection method: clinical testing. Allele origin: germline. Observed: 1 variant allele.
Comment: The p.A475V variant (also known as c.1424C>T), located in coding exon 20 of the COL3A1 gene, results from a C to T substitution at nucleotide position 1424. The alanine at codon 475 is replaced by valine, an amino acid with similar properties. Based on data fromExAC, the Tallele was reported in 1 of121334(<0.1%) total alleles.This variant was not reported in population based cohorts in the following databases: Database of Single Nucleotide Polymorphisms (dbSNP), NHLBI Exome Sequencing Project (ESP), and 1000 Genomes Project. In the ESP, this variant was not observed in 6503 samples (13006 alleles) with coverage at this position. This amino acid position is not well conserved in available vertebrate species. In addition, this alteration is predicted to be tolerated by in silico analysis.Since supporting evidence is limited at this time, the clinical significance of this alteration remains unclear.